The following is an entry in ClinVar:

ClinVar aggregate classification (germline): Uncertain significance (1 of 4 stars; one submission).

Submission:

Labcorp Genetics (formerly Invitae), Labcorp
Classification: Uncertain significance. Last evaluated: 2023-06-25. Review status: criteria provided, single submitter. Criteria: Invitae Variant Classification Sherloc (09022015). Collection method: clinical testing. Allele origin: germline.
Comment: This sequence change replaces proline, which is neutral and non-polar, with serine, which is neutral and polar, at codon 779 of the COL11A2 protein (p.Pro779Ser). This variant is not present in population databases (gnomAD no frequency). This variant has not been reported in the literature in individuals affected with COL11A2-related conditions. Advanced modeling of protein sequence and biophysical properties (such as structural, functional, and spatial information, amino acid conservation, physicochemical variation, residue mobility, and thermodynamic stability) performed at Invitae indicates that this missense variant is not expected to disrupt COL11A2 protein function. In summary, the available evidence is currently insufficient to determine the role of this variant in disease. Therefore, it has been classified as a Variant of Uncertain Significance.

NM_080680.3(COL11A2):c.2335C>T (p.Pro779Ser)

Gene: COL11A2 (collagen type XI alpha 2 chain; minus strand). Cytogenetic location: 6p21.32.
Variant type: single nucleotide variant.
Coding change: c.2335C>T on transcript NM_080680.3 (MANE Select); coding-DNA position 2335, C replaced by T.
Protein change: p.Pro779Ser; replaces proline 779 with serine.
Molecular consequence: missense variant.
Genome position (GRCh38, 1-based): chr6:33,175,615, G>A on the plus strand (C>T on the coding strand, the complement: COL11A2 is on the minus strand). VCF-style: chr6-33175615-G-A. GRCh37 (hg19) VCF-style: chr6-33143392-G-A.
Other names: c.2155C>T, p.Pro719Ser (NM_001424108.1); c.1489C>T, p.Pro497Ser (NM_001424109.1); c.1309C>T, p.Pro437Ser (NM_001424110.1, NM_001424111.1); c.289C>T, p.Pro97Ser (NM_001424112.1); c.2014C>T, p.Pro672Ser (NM_080679.3); c.2077C>T, p.Pro693Ser (NM_080681.3); short protein forms P719S, P97S, P672S, P779S, P437S, P497S, P693S.
Identifiers: ClinVar variation 2729052 (VCV002729052.3), dbSNP rs2535039536, ClinGen allele CA363646814.